The following is an entry in ClinVar:

NM_006311.4(NCOR1):c.148G>A (p.Val50Met)

Gene: NCOR1 (nuclear receptor corepressor 1; minus strand). Cytogenetic location: 17p11.2.
Variant type: single nucleotide variant.
Coding change: c.148G>A on transcript NM_006311.4 (MANE Select); coding-DNA position 148, G replaced by A.
Protein change: p.Val50Met; replaces valine 50 with methionine.
Molecular consequence: missense variant. On other transcripts: intron variant (1).
Genome position (GRCh38, 1-based): chr17:16,186,648, C>T on the plus strand (G>A on the coding strand, the complement: NCOR1 is on the minus strand). VCF-style: chr17-16186648-C-T. GRCh37 (hg19) VCF-style: chr17-16089962-C-T.
Other names: c.148G>A, p.Val50Met (NM_001190440.2, NM_001439111.1, NM_001439112.1 and 4 more transcripts); c.108+7814G>A (NM_001190438.2); short protein forms V50M.
Identifiers: ClinVar variation 2647506 (VCV002647506.25), dbSNP rs117442740, ClinGen allele CA8409658.

ClinVar aggregate classification (germline): Uncertain significance. Review status: criteria provided, single submitter (1 of 4 stars). 2 submissions from 2 submitters: Uncertain significance (1). 1 of the submissions does not count toward it. Last evaluated 2023-09-01.

Conditions:
NCOR1-related disorder. Also called: NCOR1-related condition.

Allele frequency attached by ClinVar (database versions not stated): 1000 Genomes Project 30x 0.00078; 1000 Genomes Project 0.00100; TOPMed 0.00102; gnomAD 0.00105; ESP Exome Variant Server 0.00138; ExAC 0.00169; gnomAD exomes 0.00172.
gnomAD v4.1: 2,656 of 1,613,880 alleles (0.16%); highest among the groups gnomAD compares: Non-Finnish European, 0.21%; 3 homozygotes.

Submissions (2):

CeGaT Center for Human Genetics Tuebingen
Classification: Uncertain significance. Last evaluated: 2023-09-01. Review status: criteria provided, single submitter. Criteria: CeGaT Center For Human Genetics Tuebingen Variant Classification Criteria Version 2. Collection method: clinical testing. Allele origin: germline. Affected: yes. Observed: 1 variant allele.

PreventionGenetics, part of Exact Sciences
Classification: Likely benign for NCOR1-related condition. Last evaluated: 2022-05-02. Review status: no assertion criteria provided. Collection method: clinical testing. Allele origin: germline. Not counted in ClinVar's aggregate classification.
Comment: This variant is classified as likely benign based on ACMG/AMP sequence variant interpretation guidelines (Richards et al. 2015 PMID: 25741868, with internal and published modifications).